The following is an entry in ClinVar:

ClinVar aggregate classification (germline): Uncertain significance (1 of 4 stars; one submission).

Submission:

Ambry Genetics
Classification: Uncertain significance. Last evaluated: 2025-04-03. Review status: criteria provided, single submitter. Criteria: Ambry Variant Classification Scheme 2023. Collection method: clinical testing. Allele origin: germline.
Comment: The p.G678R variant (also known as c.2032G>A), located in coding exon 3 of the CDK12 gene, results from a G to A substitution at nucleotide position 2032. The glycine at codon 678 is replaced by arginine, an amino acid with dissimilar properties. This amino acid position is conserved. In addition, the in silico prediction for this alteration is inconclusive. Based on the available evidence, the clinical significance of this variant remains unclear.

NM_016507.4(CDK12):c.2032G>A (p.Gly678Arg)

Gene: CDK12 (cyclin dependent kinase 12; plus strand). Cytogenetic location: 17q12.
Variant type: single nucleotide variant.
Coding change: c.2032G>A on transcript NM_016507.4 (MANE Select); coding-DNA position 2032, G replaced by A.
Protein change: p.Gly678Arg; replaces glycine 678 with arginine.
Molecular consequence: missense variant.
Genome position (GRCh38, 1-based): chr17:39,490,657, G>A. VCF-style: chr17-39490657-G-A. GRCh37 (hg19) VCF-style: chr17-37646910-G-A.
Other names: c.2032G>A, p.Gly678Arg (NM_015083.4); short protein forms G678R.
Identifiers: ClinVar variation 3999310 (VCV003999310.1).
Genomic context (GRCh38, chr17:39,490,657, plus strand): 5'-AAGGAACAGAGGACACGTCACTTACTCACAGACCTTCCTCTCCCTCCAGAGCTCCCTGGT[G>A]GAGATCTGTCTCCCCCAGACTCTCCAGAACCAAAGGCAATCACACCACCTCAGCAACCAT-3'
Protein context (NP_057591.2, residues 668-688): DLPLPPELPG[Gly678Arg]DLSPPDSPEP